The following is an entry in ClinVar:

NM_001040142.2(SCN2A):c.5728A>G (p.Ile1910Val)

Gene: SCN2A (sodium voltage-gated channel alpha subunit 2; plus strand). Cytogenetic location: 2q24.3.
Variant type: single nucleotide variant.
Coding change: c.5728A>G on transcript NM_001040142.2 (MANE Select); coding-DNA position 5728, A replaced by G.
Protein change: p.Ile1910Val; replaces isoleucine 1910 with valine.
Molecular consequence: missense variant.
Genome position (GRCh38, 1-based): chr2:165,389,534, A>G. VCF-style: chr2-165389534-A-G. GRCh37 (hg19) VCF-style: chr2-166246044-A-G.
Other names: c.5728A>G, p.Ile1910Val (NM_001040143.2, NM_001371246.1, NM_001371247.1 and 1 more transcripts); short protein forms I1910V.
Identifiers: ClinVar variation 1203090 (VCV001203090.9), dbSNP rs52803844, ClinGen allele CA349040026.
Genomic context (GRCh38, chr2:165,389,534, plus strand): 5'-AAAGTCTCTTATGAGCCCATTACGACCACGTTGAAACGCAAACAAGAGGAGGTGTCTGCT[A>G]TTATTATCCAGAGGGCTTACAGACGCTACCTCTTGAAGCAAAAAGTTAAAAAGGTATCAA-3'
Protein context (NP_001035232.1, residues 1900-1920): LKRKQEEVSA[Ile1910Val]IIQRAYRRYL

ClinVar aggregate classification (germline): Uncertain significance. Review status: criteria provided, multiple submitters, no conflicts (2 of 4 stars). 2 submissions from 2 submitters: Uncertain significance (2). Last evaluated 2025-12-30.

Conditions:
Developmental and epileptic encephalopathy, 11 (DEE11). Also called: Early infantile epileptic encephalopathy 11. Identifiers: Orphanet 1934, MedGen C3150987, MONDO:0013388, OMIM 613721.
Seizures, benign familial infantile, 3 (BFIS3). Also called: Familial neonatal seizures; CONVULSIONS, BENIGN FAMILIAL INFANTILE, 3. Identifiers: Orphanet 140927, Orphanet 306, MedGen C1843140, MONDO:0011904, OMIM 607745.

gnomAD v4.1: 5 of 1,613,998 alleles (0.00031%); highest among the groups gnomAD compares: Non-Finnish European, 0.00042%; no homozygotes.

Submissions (2):

GeneDx
Classification: Uncertain significance. Last evaluated: 2025-12-30. Review status: criteria provided, single submitter. Criteria: GeneDx Variant Classification Process June 2021. Collection method: clinical testing. Allele origin: germline. Affected: yes.
Comment: Not observed at significant frequency in large population cohorts (gnomAD); In silico analysis suggests that this missense variant does not alter protein structure/function; Has not been previously published as pathogenic or benign to our knowledge; This substitution is predicted to be within the C-terminal cytoplasmic domain

Labcorp Genetics (formerly Invitae), Labcorp
Classification: Uncertain significance for Seizures, benign familial infantile, 3; Developmental and epileptic encephalopathy, 11. Last evaluated: 2023-08-04. Review status: criteria provided, single submitter. Criteria: Invitae Variant Classification Sherloc (09022015). Collection method: clinical testing. Allele origin: germline.
Comment: This variant has not been reported in the literature in individuals affected with SCN2A-related conditions. In summary, the available evidence is currently insufficient to determine the role of this variant in disease. Therefore, it has been classified as a Variant of Uncertain Significance. Advanced modeling of protein sequence and biophysical properties (such as structural, functional, and spatial information, amino acid conservation, physicochemical variation, residue mobility, and thermodynamic stability) performed at Invitae indicates that this missense variant is not expected to disrupt SCN2A protein function. ClinVar contains an entry for this variant (Variation ID: 1203090). This variant is not present in population databases (gnomAD no frequency). This sequence change replaces isoleucine, which is neutral and non-polar, with valine, which is neutral and non-polar, at codon 1910 of the SCN2A protein (p.Ile1910Val).